The following is an entry in ClinVar:

NM_001127511.3(APC):c.-173A>G

Gene: APC (APC regulator of Wnt signaling pathway; plus strand). Cytogenetic location: 5q22.2.
Variant type: single nucleotide variant.
Coding change: c.-173A>G on transcript NM_001127511.3; 173 bases upstream of the start codon, A replaced by G.
Molecular consequence: 5 prime UTR variant. On other transcripts: non-coding transcript variant (2).
Genome position (GRCh38, 1-based): chr5:112,707,545, A>G. VCF-style: chr5-112707545-A-G. GRCh37 (hg19) VCF-style: chr5-112043242-A-G.
Other names: c.-356A>G (NM_001354895.2, NM_001407447.1, NM_001407452.1 and 3 more transcripts); c.-173A>G (NM_001354897.2, NM_001354902.2, NM_001407446.1); c.-123A>G (NM_001407448.1, NM_001407450.1, NM_001407457.1 and 1 more transcripts); c.-147A>G (NM_001407453.1); c.-1391A>G (NM_001407470.1, NM_001407472.1).
Identifiers: ClinVar variation 469851 (VCV000469851.10), dbSNP rs1273775271, ClinGen allele CA658655886.
Genomic context (GRCh38, chr5:112,707,545, plus strand): 5'-CTCTCACGCATGCGCATTGTAGTCTTCCCACCTCCCACAAGATGGCGGAGGGCAAGTAGC[A>G]AGGGGGCGGGGTGTGGCCGCCGGAAGCCTAGCCGCTGCTCGGGGGGGACCTGCGGGCTCA-3'

ClinVar aggregate classification (germline): Uncertain significance (1 of 4 stars; one submission).

Conditions:
Familial adenomatous polyposis 1 (FAP1). Also called: FAMILIAL ADENOMATOUS POLYPOSIS 1, ATTENUATED; POLYPOSIS, ADENOMATOUS INTESTINAL. Identifiers: MedGen C2713442, MONDO:0021056, OMIM 175100. Disease mechanism: loss of function.

Allele frequency attached by ClinVar (database versions not stated): gnomAD exomes 0.00001; TOPMed 0.00001; gnomAD 0.00001.
gnomAD v4.1: 6 of 540,756 alleles (0.0011%); highest among the groups gnomAD compares: East Asian, 0.004%; no homozygotes.

Submission:

Labcorp Genetics (formerly Invitae), Labcorp
Classification: Uncertain significance for Familial adenomatous polyposis 1. Last evaluated: 2026-02-03. Review status: criteria provided, single submitter. Criteria: Invitae Variant Classification Sherloc (09022015). Collection method: clinical testing. Allele origin: germline.
Comment: This variant occurs in a non-coding region of the APC gene. It does not change the encoded amino acid sequence of the APC protein. This variant is not present in population databases (gnomAD no frequency). This variant has not been reported in the literature in individuals affected with APC-related conditions. ClinVar contains an entry for this variant (Variation ID: 469851). Experimental studies and prediction algorithms are not available or were not evaluated, and the functional significance of this variant is currently unknown. In summary, the available evidence is currently insufficient to determine the role of this variant in disease. Therefore, it has been classified as a Variant of Uncertain Significance.